The following is an entry in ClinVar:

ClinVar aggregate classification (germline): Uncertain significance. Review status: criteria provided, multiple submitters, no conflicts (2 of 4 stars). 2 submissions from 2 submitters: Uncertain significance (2). Last evaluated 2024-09-04.

Conditions:
Peters plus syndrome. Also called: KRAUSE-KIVLIN SYNDROME. Identifiers: Orphanet 709, MedGen C0796012, MONDO:0009856, OMIM 261540.
Inborn genetic diseases. Identifiers: MedGen C0950123, MeSH D030342.

Allele frequency attached by ClinVar (database versions not stated): gnomAD exomes 0.00001; ExAC 0.00002; TOPMed 0.00002; gnomAD 0.00003; ESP Exome Variant Server 0.00015.
gnomAD v4.1: 23 of 1,613,864 alleles (0.0014%); highest among the groups gnomAD compares: Non-Finnish European, 0.0019%; no homozygotes.

Submissions (2):

Labcorp Genetics (formerly Invitae), Labcorp
Classification: Uncertain significance for Peters plus syndrome. Last evaluated: 2024-09-04. Review status: criteria provided, single submitter. Criteria: Invitae Variant Classification Sherloc (09022015). Collection method: clinical testing. Allele origin: germline.
Comment: This sequence change replaces threonine, which is neutral and polar, with methionine, which is neutral and non-polar, at codon 391 of the B3GLCT protein (p.Thr391Met). This variant is present in population databases (rs144117014, gnomAD 0.004%). This variant has not been reported in the literature in individuals affected with B3GLCT-related conditions. ClinVar contains an entry for this variant (Variation ID: 2228321). Invitae Evidence Modeling of protein sequence and biophysical properties (such as structural, functional, and spatial information, amino acid conservation, physicochemical variation, residue mobility, and thermodynamic stability) indicates that this missense variant is expected to disrupt B3GLCT protein function with a positive predictive value of 80%. In summary, the available evidence is currently insufficient to determine the role of this variant in disease. Therefore, it has been classified as a Variant of Uncertain Significance.

Ambry Genetics
Classification: Uncertain significance for Inborn genetic diseases. Last evaluated: 2020-12-15. Review status: criteria provided, single submitter. Criteria: Ambry Variant Classification Scheme 2023. Collection method: clinical testing. Allele origin: germline.
Comment: The c.1172C>T (p.T391M) alteration is located in exon 13 (coding exon 13) of the B3GLCT gene. This alteration results from a C to T substitution at nucleotide position 1172, causing the threonine (T) at amino acid position 391 to be replaced by a methionine (M). The in silico prediction for the p.T391M alteration is inconclusive. Based on insufficient or conflicting evidence, the clinical significance of this alteration remains unclear.

NM_194318.4(B3GLCT):c.1172C>T (p.Thr391Met)

Gene: B3GLCT (beta 3-glucosyltransferase; plus strand). Cytogenetic location: 13q12.3.
Variant type: single nucleotide variant.
Coding change: c.1172C>T on transcript NM_194318.4 (MANE Select); coding-DNA position 1172, C replaced by T.
Protein change: p.Thr391Met; replaces threonine 391 with methionine.
Molecular consequence: missense variant.
Genome position (GRCh38, 1-based): chr13:31,317,673, C>T. VCF-style: chr13-31317673-C-T. GRCh37 (hg19) VCF-style: chr13-31891810-C-T.
Other names: short protein forms T391M.
Identifiers: ClinVar variation 2228321 (VCV002228321.4), dbSNP rs144117014, ClinGen allele CA6936832.